The following is an entry in ClinVar:

GRCh37/hg19 9q34.3(chr9:140401671-141020389)x1

Genes: ARRDC1 (arrestin domain containing 1; plus strand), CACNA1B (calcium voltage-gated channel subunit alpha1 B; plus strand), DPH7 (diphthamide biosynthesis 7; minus strand), EHMT1 (euchromatic histone lysine methyltransferase 1; plus strand), MRPL41 (mitochondrial ribosomal protein L41; plus strand) and 3 more. Cytogenetic location: 9q34.3.
Variant type: copy number loss.
Change: copy number 1 (one copy instead of two) of chr9:140,401,671-141,020,389 (618.7 kb, GRCh37 coordinates, 1-based), cytogenetic band 9q34.3.
Identifiers: ClinVar variation 815304 (VCV000815304.4).

ClinVar aggregate classification (germline): Pathogenic (1 of 4 stars; one submission).

Submission:

Quest Diagnostics Nichols Institute San Juan Capistrano
Classification: Pathogenic. Last evaluated: 2024-11-18. Review status: criteria provided, single submitter. Criteria: ACMG/ClinGen CNV Guidelines, 2019. Collection method: clinical testing. Allele origin: unknown.
Comment: This deletion involves at least 7 protein-coding genes, including EHMT1 (OMIM 607001). Haploinsufficiency of EHMT1 is associated with autosomal dominant Kleefstra syndrome (OMIM 610253; Bouman 2024, Boutry-Kryza 2015, Fry 2016, Huang 2021, Kleefstra 2023, Niu 2023, Rots 2024, Wang 2016). Severity of disease can depend on the size of the deletion (Kleefstra 2023). There are no similar copy number losses of this region in the general populations of the Database of Genomic Variants. Thus, based on current medical literature, this copy number variant (CNV) is classified as pathogenic. References: Bouman et al., Am J Med Genet A. 2024 May;194(5):e63472. PMID: 38155610 Boutry-Kryza et al., Eur J Med Genet. 2015 Feb;58(2):51-8. PMID: 25497044 Fry et al., BMC Med Genet. 2016 Apr 26;17(1):34. PMID: 27113213 Huang et al., Eur J Med Genet. 2021 Sep;64(9):104289. PMID: 34265435 Kleefstra et al. GeneReviews [Internet].2023 Jan 26. PMID :20945554 Niu et al., BMC Neurol. 2023 Oct 10;23(1):365. PMID: 37817104 Rots et al., Am J Hum Genet. 2024 Aug 8;111(8):1605-1625. PMID: 39013458 Wang et al., Mol Cytogenet. 2016 Nov 15:9:82. PMID: 27891178